The following is an entry in ClinVar:

NM_001353921.2(ARHGEF9):c.1096A>G (p.Ile366Val)

Gene: ARHGEF9 (Cdc42 guanine nucleotide exchange factor 9; minus strand). Cytogenetic location: Xq11.1.
Variant type: single nucleotide variant.
Coding change: c.1096A>G on transcript NM_001353921.2 (MANE Select); coding-DNA position 1096, A replaced by G.
Protein change: p.Ile366Val; replaces isoleucine 366 with valine.
Molecular consequence: missense variant. On other transcripts: intron variant (2).
Genome position (GRCh38, 1-based): chrX:63,655,719, T>C on the plus strand (A>G on the coding strand, the complement: ARHGEF9 is on the minus strand). VCF-style: chrX-63655719-T-C. GRCh37 (hg19) VCF-style: chrX-62875599-T-C.
Other names: c.916A>G, p.Ile306Val (NM_001173479.2); c.769A>G, p.Ile257Val (NM_001173480.2, NM_001369042.1); c.1012A>G, p.Ile338Val (NM_001330495.2, NM_001369033.1, NM_001369034.1 and 4 more transcripts); c.964A>G, p.Ile322Val (NM_001353922.2); c.1114A>G, p.Ile372Val (NM_001353923.1); c.895A>G, p.Ile299Val (NM_001353924.2, NM_001353926.2, NM_001369039.1 and 1 more transcripts); c.880A>G, p.Ile294Val (NM_001353927.2, NM_001369041.1); c.943A>G, p.Ile315Val (NM_001353928.2); and 3 more; short protein forms I177V, I372V, I294V, I299V, I315V, I257V, I306V, I322V.
Identifiers: ClinVar variation 3662234 (VCV003662234.2).
Genomic context (GRCh38, chrX:63,655,719, plus strand): 5'-CATCCTCAATGTCAACTACCTCATATTTATCCATGTCAATGCGGCCTTTGTAGTACAGGA[T>C]GTCTCTCCGGATTAGGTCCTAGATGGGAAGGAAGAGGTTTCTTGAAGGTATGTGCACGGC-3'
Protein context (NP_001340850.1, residues 356-376): LCKKDLIRRD[Ile366Val]LYYKGRIDMD

ClinVar aggregate classification (germline): Uncertain significance (1 of 4 stars; one submission).

Conditions:
Developmental and epileptic encephalopathy, 8 (DEE8). Also called: HYPEREKPLEXIA AND EPILEPSY. Identifiers: Orphanet 163985, Orphanet 2076, MedGen C1845102, MONDO:0010375, OMIM 300607.

Submission:

Labcorp Genetics (formerly Invitae), Labcorp
Classification: Uncertain significance for Developmental and epileptic encephalopathy, 8. Last evaluated: 2024-08-13. Review status: criteria provided, single submitter. Criteria: Invitae Variant Classification Sherloc (09022015). Collection method: clinical testing. Allele origin: germline.
Comment: This sequence change replaces isoleucine, which is neutral and non-polar, with valine, which is neutral and non-polar, at codon 359 of the ARHGEF9 protein (p.Ile359Val). This variant is not present in population databases (gnomAD no frequency). This variant has not been reported in the literature in individuals affected with ARHGEF9-related conditions. Advanced modeling of protein sequence and biophysical properties (such as structural, functional, and spatial information, amino acid conservation, physicochemical variation, residue mobility, and thermodynamic stability) has been performed at Invitae for this missense variant, however the output from this modeling did not meet the statistical confidence thresholds required to predict the impact of this variant on ARHGEF9 protein function. In summary, the available evidence is currently insufficient to determine the role of this variant in disease. Therefore, it has been classified as a Variant of Uncertain Significance.